The following is an entry in ClinVar:

ClinVar aggregate classification (germline): Conflicting classifications of pathogenicity. Review status: criteria provided, conflicting classifications (1 of 4 stars). 2 submissions from 2 submitters: Likely pathogenic (1); Uncertain significance (1). Last evaluated 2025-09-26.

Conditions:
Hypertrophic cardiomyopathy 2. Also called: TNNT2-Related Familial Hypertrophic Cardiomyopathy. Identifiers: MedGen C1861864, MONDO:0007266, OMIM 115195.
Dilated cardiomyopathy 1D. Identifiers: Orphanet 154, Orphanet 54260, MedGen C1832243, MONDO:0011095, OMIM 601494.
Cardiomyopathy, familial restrictive, 3. Identifiers: Orphanet 75249, MedGen C2676271, MONDO:0012900, OMIM 612422.
Hypertrophic cardiomyopathy. Also called: HYPERTROPHIC MYOCARDIOPATHY. Identifiers: Orphanet 217569, MedGen C0007194, MeSH D002312, MONDO:0005045, HP:0001639.

Submissions (2):

Labcorp Genetics (formerly Invitae), Labcorp
Classification: Uncertain significance for Cardiomyopathy, familial restrictive, 3; Hypertrophic cardiomyopathy 2; Dilated cardiomyopathy 1D. Last evaluated: 2025-09-26. Review status: criteria provided, single submitter. Criteria: Invitae Variant Classification Sherloc (09022015). Collection method: clinical testing. Allele origin: germline.
Comment: This sequence change replaces lysine, which is basic and polar, with glutamine, which is neutral and polar, at codon 93 of the TNNT2 protein (p.Lys93Gln). This variant is not present in population databases (gnomAD no frequency). This missense change has been observed in individual(s) with hypertrophic cardiomyopathy (PMID: 31513939). ClinVar contains an entry for this variant (Variation ID: 181642). Invitae Evidence Modeling of protein sequence and biophysical properties (such as structural, functional, and spatial information, amino acid conservation, physicochemical variation, residue mobility, and thermodynamic stability) has been performed for this missense variant. However, the output from this modeling did not meet the statistical confidence thresholds required to predict the impact of this variant on TNNT2 protein function. This variant disrupts the p.Lys93 amino acid residue in TNNT2. Other variant(s) that disrupt this residue have been determined to be pathogenic (internal data). This suggests that this residue is clinically significant, and that variants that disrupt this residue are likely to be disease-causing. In summary, the available evidence is currently insufficient to determine the role of this variant in disease. Therefore, it has been classified as a Variant of Uncertain Significance.

Center for Human Genetics, University of Leuven
Classification: Likely pathogenic for Hypertrophic cardiomyopathy. Last evaluated: 2018-10-31. Review status: criteria provided, single submitter. Criteria: ACMG Guidelines, 2015. Collection method: clinical testing. Allele origin: de novo. Affected: yes.

Literature cited by the submitters: PubMed 31513939 (cited by Labcorp Genetics (formerly Invitae), Labcorp).

NM_001276345.2(TNNT2):c.307A>C (p.Lys103Gln)

Gene: TNNT2 (troponin T2, cardiac type; minus strand). Cytogenetic location: 1q32.1.
Variant type: single nucleotide variant.
Coding change: c.307A>C on transcript NM_001276345.2 (MANE Select); coding-DNA position 307, A replaced by C.
Protein change: p.Lys103Gln; replaces lysine 103 with glutamine.
Molecular consequence: missense variant. On other transcripts: intron variant (1).
Genome position (GRCh38, 1-based): chr1:201,365,295, T>G on the plus strand (A>C on the coding strand, the complement: TNNT2 is on the minus strand). VCF-style: chr1-201365295-T-G. GRCh37 (hg19) VCF-style: chr1-201334423-T-G.
Other names: c.307A>C, p.Lys103Gln (NM_000364.4); c.277A>C, p.Lys93Gln (NM_001001430.3, NM_001001431.3, NM_001276347.2); c.262A>C, p.Lys88Gln (NM_001001432.3); c.291+315A>C (NM_001276346.2); short protein forms K103Q, K93Q, K88Q.
Identifiers: ClinVar variation 181642 (VCV000181642.3), dbSNP rs730881122, ClinGen allele CA004281.